The following is an entry in ClinVar:

NM_001035.3(RYR2):c.5336G>T (p.Ser1779Ile)

Gene: RYR2 (ryanodine receptor 2; plus strand). Cytogenetic location: 1q43.
Variant type: single nucleotide variant.
Coding change: c.5336G>T on transcript NM_001035.3 (MANE Select); coding-DNA position 5336, G replaced by T.
Protein change: p.Ser1779Ile; replaces serine 1779 with isoleucine.
Molecular consequence: missense variant.
Genome position (GRCh38, 1-based): chr1:237,614,464, G>T. VCF-style: chr1-237614464-G-T. GRCh37 (hg19) VCF-style: chr1-237777764-G-T.
Other names: short protein forms S1779I.
Identifiers: ClinVar variation 3385735 (VCV003385735.1).

ClinVar aggregate classification (germline): Uncertain significance (1 of 4 stars; one submission).

Conditions:
Catecholaminergic polymorphic ventricular tachycardia (CVPT). Also called: Catecholamine-induced polymorphic ventricular tachycardia. Identifiers: Orphanet 3286, MedGen C5574922, MONDO:0017990.

Submission:

All of Us Research Program, National Institutes of Health
Classification: Uncertain significance for Catecholaminergic polymorphic ventricular tachycardia. Last evaluated: 2024-05-30. Review status: criteria provided, single submitter. Criteria: ACMG Guidelines, 2015. Collection method: clinical testing. Allele origin: germline. Inheritance: Autosomal dominant inheritance. Observed: 1 variant allele, 1 heterozygote.
Comment: This missense variant replaces serine with isoleucine at codon 1779 of the RYR2 protein. Computational prediction suggests that this variant may have deleterious impact on protein structure and function (internally defined REVEL score threshold >= 0.7, PMID: 27666373). To our knowledge, functional studies have not been reported for this variant. This variant has not been reported in individuals affected with RYR2-related disorders in the literature. This variant has not been identified in the general population by the Genome Aggregation Database (gnomAD). The available evidence is insufficient to determine the role of this variant in disease conclusively. Therefore, this variant is classified as a Variant of Uncertain Significance.

This study involves interpretation of variants in research participants for the purpose of population health screening. Participant phenotype was not available at the time of variant classification. Additional details can be found in publication PMID: 35346344, PMCID: PMC8962531